The following is an entry in ClinVar:

NM_002473.6(MYH9):c.3643C>T (p.Leu1215Phe)

Gene: MYH9 (myosin heavy chain 9; minus strand). Cytogenetic location: 22q12.3.
Variant type: single nucleotide variant.
Coding change: c.3643C>T on transcript NM_002473.6 (MANE Select); coding-DNA position 3643, C replaced by T.
Protein change: p.Leu1215Phe; replaces leucine 1215 with phenylalanine.
Molecular consequence: missense variant.
Genome position (GRCh38, 1-based): chr22:36,294,286, G>A on the plus strand (C>T on the coding strand, the complement: MYH9 is on the minus strand). VCF-style: chr22-36294286-G-A. GRCh37 (hg19) VCF-style: chr22-36690332-G-A.
Other names: short protein forms L1215F.
Identifiers: ClinVar variation 2630068 (VCV002630068.1), dbSNP rs2517961531, ClinGen allele CA411386979.

ClinVar aggregate classification (germline): Uncertain significance (1 of 4 stars; one submission).

Conditions:
MYH9-related disorder. Identifiers: MedGen C1854520.

Allele frequency attached by ClinVar (database versions not stated): gnomAD exomes below 0.00001.
gnomAD v4.1: 2 of 1,613,876 alleles (0.00012%); highest among the groups gnomAD compares: South Asian, 0.0011%; no homozygotes.

Submission:

PreventionGenetics, part of Exact Sciences
Classification: Uncertain significance for MYH9-related condition. Last evaluated: 2023-01-24. Review status: criteria provided, single submitter. Criteria: ACMG Guidelines, 2015. Collection method: clinical testing. Allele origin: germline.
Comment: The MYH9 c.3643C>T variant is predicted to result in the amino acid substitution p.Leu1215Phe. To our knowledge, this variant has not been reported in the literature or in a large population database, indicating this variant is rare. At this time, the clinical significance of this variant is uncertain due to the absence of conclusive functional and genetic evidence.